The following is an entry in ClinVar:

ClinVar aggregate classification (germline): Uncertain significance. Review status: criteria provided, multiple submitters, no conflicts (2 of 4 stars). 3 submissions from 3 submitters: Uncertain significance (3). Last evaluated 2023-12-12.

Conditions:
Dilated cardiomyopathy 1G (CMD1G). Identifiers: Orphanet 154, MedGen C1858763, MONDO:0011400, OMIM 604145.
Autosomal recessive limb-girdle muscular dystrophy type 2J (LGMDR10). Also called: Limb-girdle muscular dystrophy, type 2J; MUSCULAR DYSTROPHY, LIMB-GIRDLE, AUTOSOMAL RECESSIVE 10. Identifiers: Orphanet 140922, MedGen C1837342, MONDO:0012127, OMIM 608807.
Cardiovascular phenotype. Identifiers: MedGen CN230736.

Allele frequency attached by ClinVar (database versions not stated): gnomAD exomes below 0.00001 and 0.00001; ExAC 0.00001; TOPMed 0.00001; gnomAD 0.00002.
gnomAD v4.1: 4 of 1,613,594 alleles (0.00025%); highest among the groups gnomAD compares: African/African-American, 0.0053%; no homozygotes.

Submissions (3):

Mayo Clinic Laboratories, Mayo Clinic
Classification: Uncertain significance. Last evaluated: 2023-12-12. Review status: criteria provided, single submitter. Criteria: ACMG Guidelines, 2015. Collection method: clinical testing. Allele origin: germline. Observed: 3 variant alleles.

Labcorp Genetics (formerly Invitae), Labcorp
Classification: Uncertain significance for Dilated cardiomyopathy 1G; Autosomal recessive limb-girdle muscular dystrophy type 2J. Last evaluated: 2017-10-10. Review status: criteria provided, single submitter. Criteria: Invitae Variant Classification Sherloc (09022015). Collection method: clinical testing. Allele origin: germline.

Ambry Genetics
Classification: Uncertain significance for Cardiovascular phenotype. Last evaluated: 2017-06-30. Review status: criteria provided, single submitter. Criteria: Ambry Variant Classification Scheme 2023. Collection method: clinical testing. Allele origin: germline.
Comment: The p.A2212V variant (also known as c.6635C>T), located in coding exon 27 of the TTN gene, results from a C to T substitution at nucleotide position 6635. The alanine at codon 2212 is replaced by valine, an amino acid with similar properties. This amino acid position is highly conserved in available vertebrate species. In addition, the in silico prediction for this alteration is inconclusive. Since supporting evidence is limited at this time, the clinical significance of this alteration remains unclear.

Literature cited by the submitters: PubMed 26567375 (cited by Mayo Clinic Laboratories, Mayo Clinic).

NM_001267550.2(TTN):c.6773C>T (p.Ala2258Val)

Gene: TTN (titin; minus strand). Cytogenetic location: 2q31.2.
Variant type: single nucleotide variant.
Coding change: c.6773C>T on transcript NM_001267550.2 (MANE Select); coding-DNA position 6773, C replaced by T.
Protein change: p.Ala2258Val; replaces alanine 2258 with valine.
Molecular consequence: missense variant.
Genome position (GRCh38, 1-based): chr2:178,774,938, G>A on the plus strand (C>T on the coding strand, the complement: TTN is on the minus strand). VCF-style: chr2-178774938-G-A. GRCh37 (hg19) VCF-style: chr2-179639665-G-A.
Other names: p.Ala2258Val; c.6773C>T, p.Ala2258Val (NM_001256850.1, NM_133378.4, NM_133379.5); c.6635C>T, p.Ala2212Val (NM_133432.3, NM_133437.4, NM_003319.4); short protein forms A2212V, A2258V.
Identifiers: ClinVar variation 519172 (VCV000519172.8), dbSNP rs72647881, ClinGen allele CA2004985.